The following is an entry in ClinVar:

NM_014639.4(SKIC3):c.3218-9A>G

Gene: SKIC3 (SKI3 subunit of superkiller complex; minus strand). Cytogenetic location: 5q15.
Variant type: single nucleotide variant.
Coding change: c.3218-9A>G on transcript NM_014639.4 (MANE Select); 9 bases into the intron before coding-DNA position 3218, A replaced by G.
Molecular consequence: intron variant.
Genome position (GRCh38, 1-based): chr5:95,503,012, T>C on the plus strand (A>G on the coding strand, the complement: SKIC3 is on the minus strand). VCF-style: chr5-95503012-T-C. GRCh37 (hg19) VCF-style: chr5-94838716-T-C.
Other names: c.3218-9A>G (NM_014639.3).
Identifiers: ClinVar variation 1912399 (VCV001912399.7), dbSNP rs375364484, ClinGen allele CA3346800.

ClinVar aggregate classification (germline): Likely benign. Review status: criteria provided, single submitter (1 of 4 stars). 2 submissions from 2 submitters: Likely benign (1). 1 of the submissions does not count toward it. Last evaluated 2025-01-23.

Conditions:
SKIC3-related disorder. Also called: SKIC3-related condition.

Allele frequency attached by ClinVar (database versions not stated): ESP Exome Variant Server 0.00008; ExAC 0.00001; gnomAD exomes 0.00001; gnomAD 0.00005; TOPMed 0.00005.
gnomAD v4.1: 26 of 1,613,748 alleles (0.0016%); highest among the groups gnomAD compares: African/African-American, 0.019%; no homozygotes.

Submissions (2):

Labcorp Genetics (formerly Invitae), Labcorp
Classification: Likely benign. Last evaluated: 2025-01-23. Review status: criteria provided, single submitter. Criteria: Invitae Variant Classification Sherloc (09022015). Collection method: clinical testing. Allele origin: germline.

PreventionGenetics, part of Exact Sciences
Classification: Likely benign for SKIC3-related condition. Last evaluated: 2019-03-12. Review status: no assertion criteria provided. Collection method: clinical testing. Allele origin: germline. Not counted in ClinVar's aggregate classification.
Comment: This variant is classified as likely benign based on ACMG/AMP sequence variant interpretation guidelines (Richards et al. 2015 PMID: 25741868, with internal and published modifications).